The following is an entry in ClinVar:

NM_000090.4(COL3A1):c.1064C>T (p.Pro355Leu)

Gene: COL3A1 (collagen type III alpha 1 chain; plus strand). Cytogenetic location: 2q32.2.
Variant type: single nucleotide variant.
Coding change: c.1064C>T on transcript NM_000090.4 (MANE Select); coding-DNA position 1064, C replaced by T.
Protein change: p.Pro355Leu; replaces proline 355 with leucine.
Molecular consequence: missense variant.
Genome position (GRCh38, 1-based): chr2:188,993,374, C>T. VCF-style: chr2-188993374-C-T. GRCh37 (hg19) VCF-style: chr2-189858100-C-T.
Other names: short protein forms P355L.
Identifiers: ClinVar variation 4082763 (VCV004082763.1).

ClinVar aggregate classification (germline): Uncertain significance (1 of 4 stars; one submission).

gnomAD v4.1: 18 of 1,569,922 alleles (0.0011%); highest among the groups gnomAD compares: Non-Finnish European, 0.0013%; no homozygotes.

Submission:

GeneDx
Classification: Uncertain significance. Last evaluated: 2025-03-07. Review status: criteria provided, single submitter. Criteria: GeneDx Variant Classification Process June 2021. Collection method: clinical testing. Allele origin: germline. Affected: yes.
Comment: Not observed at significant frequency in large population cohorts (gnomAD); In silico analysis supports that this missense variant has a deleterious effect on protein structure/function; Has not been previously published as pathogenic or benign to our knowledge; Occurs in the triple helical domain at the X position in the canonical Gly-X-Y repeat; although this variant may have an effect on normal protein folding and function, missense substitution at the X position is not a common mechanism of disease (HGMD)